The following is an entry in ClinVar:

NM_145207.3(AFG2A):c.1816A>T (p.Met606Leu)

Gene: AFG2A (AFG2 AAA ATPase homolog A; plus strand). Cytogenetic location: 4q28.1.
Variant type: single nucleotide variant.
Coding change: c.1816A>T on transcript NM_145207.3 (MANE Select); coding-DNA position 1816, A replaced by T.
Protein change: p.Met606Leu; replaces methionine 606 with leucine.
Molecular consequence: missense variant.
Genome position (GRCh38, 1-based): chr4:122,979,333, A>T. VCF-style: chr4-122979333-A-T. GRCh37 (hg19) VCF-style: chr4-123900488-A-T.
Other names: c.1813A>T, p.Met605Leu (NM_001317799.2, NM_001345856.2); short protein forms M605L, M606L.
Identifiers: ClinVar variation 2016174 (VCV002016174.1), dbSNP rs1407178956, ClinGen allele CA358093599.

ClinVar aggregate classification (germline): Uncertain significance (1 of 4 stars; one submission).

Conditions:
Microcephaly-intellectual disability-sensorineural hearing loss-epilepsy-abnormal muscle tone syndrome (NEDHSB). Also called: NEURODEVELOPMENTAL DISORDER WITH HEARING LOSS, SEIZURES, AND BRAIN ABNORMALITIES. Identifiers: Orphanet 457351, MedGen C4225276, MONDO:0014698, OMIM 616577.

Submission:

Labcorp Genetics (formerly Invitae), Labcorp
Classification: Uncertain significance for Microcephaly-intellectual disability-sensorineural hearing loss-epilepsy-abnormal muscle tone syndrome. Last evaluated: 2022-07-11. Review status: criteria provided, single submitter. Criteria: Invitae Variant Classification Sherloc (09022015). Collection method: clinical testing. Allele origin: germline.
Comment: This sequence change replaces methionine, which is neutral and non-polar, with leucine, which is neutral and non-polar, at codon 606 of the SPATA5 protein (p.Met606Leu). This variant is not present in population databases (gnomAD no frequency). This variant has not been reported in the literature in individuals affected with SPATA5-related conditions. Algorithms developed to predict the effect of missense changes on protein structure and function are either unavailable or do not agree on the potential impact of this missense change (SIFT: "Tolerated"; PolyPhen-2: "Possibly Damaging"; Align-GVGD: "Class C0"). In summary, the available evidence is currently insufficient to determine the role of this variant in disease. Therefore, it has been classified as a Variant of Uncertain Significance.